The following is an entry in ClinVar:

ClinVar aggregate classification (germline): Uncertain significance (1 of 4 stars; one submission).

Conditions:
Cardiovascular phenotype. Identifiers: MedGen CN230736.

Submission:

Ambry Genetics
Classification: Uncertain significance for Cardiovascular phenotype. Last evaluated: 2021-03-03. Review status: criteria provided, single submitter. Criteria: Ambry Variant Classification Scheme 2023. Collection method: clinical testing. Allele origin: germline.
Comment: The c.1045-3T>A intronic variant results from a T to A substitution 3 nucleotides upstream from coding exon 8 in the FKTN gene. This nucleotide position is not well conserved in available vertebrate species. In silico splice site analysis predicts that this alteration will weaken the native splice acceptor site. Since supporting evidence is limited at this time, the clinical significance of this alteration remains unclear.

NM_001079802.2(FKTN):c.1045-3T>A

Gene: FKTN (fukutin; plus strand). Cytogenetic location: 9q31.2.
Variant type: single nucleotide variant.
Coding change: c.1045-3T>A on transcript NM_001079802.2 (MANE Select); 3 bases into the intron before coding-DNA position 1045, T replaced by A.
Molecular consequence: intron variant.
Genome position (GRCh38, 1-based): chr9:105,619,931, T>A. VCF-style: chr9-105619931-T-A. GRCh37 (hg19) VCF-style: chr9-108382212-T-A.
Other names: c.1045-3T>A (NM_006731.2, NM_001351496.2, NM_001198963.2 and 1 more transcripts); c.649-3T>A (NM_001351502.2, NM_001351499.2, NM_001351500.2 and 1 more transcripts); c.976-3T>A (NM_001351497.2).
Identifiers: ClinVar variation 1775152 (VCV001775152.2), dbSNP rs762343906, ClinGen allele CA589860483.